The following is an entry in ClinVar:

NM_003982.4(SLC7A7):c.158_159delinsGA (p.Ser53Ter)

Gene: SLC7A7 (solute carrier family 7 member 7; minus strand). Cytogenetic location: 14q11.2.
Variant type: Indel.
Coding change: c.158_159delinsGA on transcript NM_003982.4 (MANE Select); coding-DNA positions 158 to 159, CG replaced by GA.
Protein change: p.Ser53Ter; replaces serine 53 with a stop codon.
Molecular consequence: nonsense.
Genome position (GRCh38, 1-based): chr14:22,813,240-22,813,241, CG replaced by TC on the plus strand (CG replaced by GA on the coding strand, the reverse complement: SLC7A7 is on the minus strand). VCF-style: chr14-22813240-CG-TC. GRCh37 (hg19) VCF-style: chr14-23282449-CG-TC.
Other names: c.158_159delinsGA, p.Ser53Ter (NM_001126105.3, NM_001126106.4); short protein forms S53*.
Identifiers: ClinVar variation 2754357 (VCV002754357.3), dbSNP rs2501977003, ClinGen allele CA2697551981.

ClinVar aggregate classification (germline): Pathogenic (1 of 4 stars; one submission).

Conditions:
Lysinuric protein intolerance (LPI). Identifiers: Orphanet 470, MedGen C0268647, MONDO:0009109, OMIM 222700.

Submission:

Labcorp Genetics (formerly Invitae), Labcorp
Classification: Pathogenic for Lysinuric protein intolerance. Last evaluated: 2023-08-22. Review status: criteria provided, single submitter. Criteria: Invitae Variant Classification Sherloc (09022015). Collection method: clinical testing. Allele origin: germline.
Comment: Information on the frequency of this variant in the gnomAD database is not available, as this variant may be reported differently in the database. For these reasons, this variant has been classified as Pathogenic. This variant has not been reported in the literature in individuals affected with SLC7A7-related conditions. This sequence change creates a premature translational stop signal (p.Ser53*) in the SLC7A7 gene. It is expected to result in an absent or disrupted protein product. Loss-of-function variants in SLC7A7 are known to be pathogenic (PMID: 10631139, 17764084).

Literature cited by the submitters: PubMed 10631139; PubMed 17764084.